The following is an entry in ClinVar:

ClinVar aggregate classification (germline): Pathogenic. Review status: criteria provided, multiple submitters, no conflicts (2 of 4 stars). 2 submissions from 2 submitters: Pathogenic (2). Last evaluated 2023-09-04.

Conditions:
TULP1-related disorder. Also called: TULP1-related condition; TULP1-related disorders.

gnomAD v4.1: 6 of 1,600,930 alleles (0.00037%); highest among the groups gnomAD compares: Non-Finnish European, 0.00051%; no homozygotes.

Submissions (2):

Labcorp Genetics (formerly Invitae), Labcorp
Classification: Pathogenic. Last evaluated: 2023-09-04. Review status: criteria provided, single submitter. Criteria: Invitae Variant Classification Sherloc (09022015). Collection method: clinical testing. Allele origin: germline.
Comment: This sequence change creates a premature translational stop signal (p.Glu125*) in the TULP1 gene. It is expected to result in an absent or disrupted protein product. Loss-of-function variants in TULP1 are known to be pathogenic (PMID: 8606774, 10549638, 15024725, 18055821). The frequency data for this variant in the population databases is considered unreliable, as metrics indicate poor data quality at this position in the gnomAD database. This variant has not been reported in the literature in individuals affected with TULP1-related conditions. For these reasons, this variant has been classified as Pathogenic.

Blueprint Genetics
Classification: Pathogenic for TULP1-related disorders. Last evaluated: 2023-07-11. Review status: criteria provided, single submitter. Criteria: ACMG Guidelines, 2015. Collection method: clinical testing. Allele origin: germline. Affected: yes. Observed: 5 variant alleles.

Literature cited by the submitters: PubMed 8606774 (cited by Labcorp Genetics (formerly Invitae), Labcorp); PubMed 10549638 (cited by Labcorp Genetics (formerly Invitae), Labcorp); PubMed 15024725 (cited by Labcorp Genetics (formerly Invitae), Labcorp); PubMed 18055821 (cited by Labcorp Genetics (formerly Invitae), Labcorp).

NM_003322.6(TULP1):c.373G>T (p.Glu125Ter)

Gene: TULP1 (TUB like protein 1; minus strand). Cytogenetic location: 6p21.31.
Variant type: single nucleotide variant.
Coding change: c.373G>T on transcript NM_003322.6 (MANE Select); coding-DNA position 373, G replaced by T.
Protein change: p.Glu125Ter; replaces glutamic acid 125 with a stop codon.
Molecular consequence: nonsense.
Genome position (GRCh38, 1-based): chr6:35,510,987, C>A on the plus strand (G>T on the coding strand, the complement: TULP1 is on the minus strand). VCF-style: chr6-35510987-C-A. GRCh37 (hg19) VCF-style: chr6-35478764-C-A.
Other names: c.214G>T, p.Glu72Ter (NM_001289395.2); short protein forms E125*, E72*.
Identifiers: ClinVar variation 2883710 (VCV002883710.4), dbSNP rs376074938, ClinGen allele CA3772936.